The following is an entry in ClinVar:

NM_005045.4(RELN):c.3655A>G (p.Ile1219Val)

Gene: RELN (reelin; minus strand). Cytogenetic location: 7q22.1.
Variant type: single nucleotide variant.
Coding change: c.3655A>G on transcript NM_005045.4 (MANE Select); coding-DNA position 3655, A replaced by G.
Protein change: p.Ile1219Val; replaces isoleucine 1219 with valine.
Molecular consequence: missense variant.
Genome position (GRCh38, 1-based): chr7:103,594,377, T>C on the plus strand (A>G on the coding strand, the complement: RELN is on the minus strand). VCF-style: chr7-103594377-T-C. GRCh37 (hg19) VCF-style: chr7-103234824-T-C.
Other names: c.3655A>G, p.Ile1219Val (NM_173054.3); short protein forms I1219V.
Identifiers: ClinVar variation 391656 (VCV000391656.10), dbSNP rs1057524179, ClinGen allele CA16605199.
Genomic context (GRCh38, chr7:103,594,377, plus strand): 5'-ATACCTGAGGTAAAGTTGGATTGATAACTGGGATGATCTGCTTCTGCTTCTCGGACAGAA[T>C]GATGATGTCATCGACTGCCCACTGGTCATAGTCCTCCCCTGAGAACACGGGCTGCCACCA-3'
Protein context (NP_005036.2, residues 1209-1229): YDQWAVDDII[Ile1219Val]LSEKQKQIIP

ClinVar aggregate classification (germline): Uncertain significance. Review status: criteria provided, multiple submitters, no conflicts (2 of 4 stars). 2 submissions from 2 submitters: Uncertain significance (2). Last evaluated 2019-09-04.

Conditions:
Norman-Roberts syndrome (LIS2). Also called: Lissencephaly 2 (Norman-Roberts type). Identifiers: Orphanet 89844, MedGen C0796089, MONDO:0009760, OMIM 257320.
Familial temporal lobe epilepsy 7. Identifiers: Orphanet 101046, MedGen C4225327, MONDO:0014639, OMIM 616436.

Submissions (2):

GeneDx
Classification: Uncertain significance. Last evaluated: 2019-09-04. Review status: criteria provided, single submitter. Criteria: GeneDx Variant Classification Process June 2021. Collection method: clinical testing. Allele origin: germline. Affected: yes.
Comment: Not observed in large population cohorts (Lek et al., 2016); In silico analysis, which includes protein predictors and evolutionary conservation, supports that this variant does not alter protein structure/function; Has not been previously published as pathogenic or benign to our knowledge

Labcorp Genetics (formerly Invitae), Labcorp
Classification: Uncertain significance for Familial temporal lobe epilepsy 7; Norman-Roberts syndrome. Last evaluated: 2017-04-16. Review status: criteria provided, single submitter. Criteria: Invitae Variant Classification Sherloc (09022015). Collection method: clinical testing. Allele origin: germline.
Comment: In summary, this variant is a novel missense change with uncertain impact on protein function. It has been classified as a Variant of Uncertain Significance. Algorithms developed to predict the effect of missense changes on protein structure and function do not agree on the potential impact of this missense change (SIFT: "Deleterious"; PolyPhen-2: "Probably Damaging"; Align-GVGD: "Class C0"). This sequence change replaces isoleucine with valine at codon 1219 of the RELN protein (p.Ile1219Val). The isoleucine residue is highly conserved and there is a small physicochemical difference between isoleucine and valine. This variant is not present in population databases (ExAC no frequency) and has not been reported in the literature in individuals with a RELN-related disease.